The following is an entry in ClinVar:

ClinVar aggregate classification (germline): Uncertain significance (1 of 4 stars; one submission).

Allele frequency attached by ClinVar (database versions not stated): TOPMed below 0.00001 and 0.00001.

Submission:

Laboratory for Molecular Medicine, Mass General Brigham Personalized Medicine
Classification: Uncertain significance. Last evaluated: 2018-10-10. Review status: criteria provided, single submitter. Criteria: LMM Criteria. Collection method: clinical testing. Allele origin: germline. Observed: 2 variant alleles.
Comment: The p.Cys8855Tyr variant in TTN has not been previously reported in individuals with cardiomyopathy or in large population studies. Computational prediction too ls and conservation analysis suggest that the p.Cys8855Tyr variant may impact th e protein, though this information is not predictive enough to determine pathoge nicity. In summary, the clinical significance of the p.Cys8855Tyr variant is unc ertain. ACMG/AMP Criteria applied: PM2, PP3.

NM_001267550.2(TTN):c.30296G>A (p.Cys10099Tyr)

Gene: TTN (titin; minus strand). Cytogenetic location: 2q31.2.
Variant type: single nucleotide variant.
Coding change: c.30296G>A on transcript NM_001267550.2 (MANE Select); coding-DNA position 30296, G replaced by A.
Protein change: p.Cys10099Tyr; replaces cysteine 10099 with tyrosine.
Molecular consequence: missense variant. On other transcripts: intron variant (3).
Genome position (GRCh38, 1-based): chr2:178,702,591, C>T on the plus strand (G>A on the coding strand, the complement: TTN is on the minus strand). VCF-style: chr2-178702591-C-T. GRCh37 (hg19) VCF-style: chr2-179567318-C-T.
Other names: c.26564G>A, p.Cys8855Tyr (NM_133378.4); c.29345G>A, p.Cys9782Tyr (NM_001256850.1); c.13282+35491G>A (NM_003319.4); c.13858+35491G>A (NM_133437.4); c.13657+35491G>A (NM_133432.3); short protein forms C10099Y, C8855Y, C9782Y.
Identifiers: ClinVar variation 505877 (VCV000505877.5), dbSNP rs1253569310, ClinGen allele CA349571783.